The following is an entry in ClinVar:

ClinVar aggregate classification (germline): Uncertain significance (1 of 4 stars; one submission).

Conditions:
Severe myoclonic epilepsy in infancy (DRVT). Also called: Dravet syndrome; Epileptic encephalopathy, early infantile, 6 (Dravet syndrome); SEVERE MYOCLONIC EPILEPSY OF INFANCY; DEVELOPMENTAL AND EPILEPTIC ENCEPHALOPATHY 6A; Severe Myoclonic Epilepsy in Infancy (SMEI). Identifiers: Orphanet 33069, MedGen C0751122, MONDO:0100135, OMIM 607208.

Allele frequency attached by ClinVar (database versions not stated): gnomAD exomes below 0.00001.
gnomAD v4.1: 1 of 1,521,838 alleles (0.000066%); highest among the groups gnomAD compares: Non-Finnish European, 0.000088%; no homozygotes.

Submission:

Labcorp Genetics (formerly Invitae), Labcorp
Classification: Uncertain significance for Severe myoclonic epilepsy in infancy. Last evaluated: 2022-06-27. Review status: criteria provided, single submitter. Criteria: Invitae Variant Classification Sherloc (09022015). Collection method: clinical testing. Allele origin: germline.
Comment: This variant has not been reported in the literature in individuals affected with SNX27-related conditions. In summary, the available evidence is currently insufficient to determine the role of this variant in disease. Therefore, it has been classified as a Variant of Uncertain Significance. Algorithms developed to predict the effect of missense changes on protein structure and function are either unavailable or do not agree on the potential impact of this missense change (SIFT: "Deleterious"; PolyPhen-2: "Possibly Damaging"; Align-GVGD: "Class C0"). ClinVar contains an entry for this variant (Variation ID: 462805). This variant is not present in population databases (gnomAD no frequency). This sequence change replaces glycine, which is neutral and non-polar, with serine, which is neutral and polar, at codon 40 of the SNX27 protein (p.Gly40Ser).

NM_001330723.2(SNX27):c.118G>A (p.Gly40Ser)

Genes: SNX27 (sorting nexin 27; plus strand), LOC129931442 (ATAC-STARR-seq lymphoblastoid silent region 1324; plus strand). Cytogenetic location: 1q21.3.
Variant type: single nucleotide variant.
Coding change: c.118G>A on transcript NM_001330723.2 (MANE Select); coding-DNA position 118, G replaced by A.
Protein change: p.Gly40Ser; replaces glycine 40 with serine.
Molecular consequence: missense variant.
Genome position (GRCh38, 1-based): chr1:151,612,319, G>A. VCF-style: chr1-151612319-G-A. GRCh37 (hg19) VCF-style: chr1-151584795-G-A.
Other names: c.118G>A, p.Gly40Ser (NM_030918.6); short protein forms G40S.
Identifiers: ClinVar variation 462805 (VCV000462805.9), dbSNP rs1354158738, ClinGen allele CA341973872.